The following is an entry in ClinVar:

NM_003842.5(TNFRSF10B):c.200C>T (p.Ala67Val)

Gene: TNFRSF10B (TNF receptor superfamily member 10b; minus strand). Cytogenetic location: 8p21.3.
Variant type: single nucleotide variant.
Coding change: c.200C>T on transcript NM_003842.5 (MANE Select); coding-DNA position 200, C replaced by T.
Protein change: p.Ala67Val; replaces alanine 67 with valine.
Molecular consequence: missense variant.
Genome position (GRCh38, 1-based): chr8:23,043,188, G>A on the plus strand (C>T on the coding strand, the complement: TNFRSF10B is on the minus strand). VCF-style: chr8-23043188-G-A. GRCh37 (hg19) VCF-style: chr8-22900701-G-A.
Other names: c.200C>T, p.Ala67Val (NM_147187.3); short protein forms A67V.
Identifiers: ClinVar variation 3056241 (VCV003056241.2), dbSNP rs1047266, ClinGen allele CA4673455.
Genomic context (GRCh38, chr8:23,043,188, plus strand): 5'-TTGAACATACCAGGTGGACACAATCCCTCTGAGGGGCTGGACCTCTTTTGTTGTGGGGCC[G>A]CTCTCTGCTGGGGAGCTAGGTCTTGTTGGGTGATCAGAGCAGACTCAGCTGAGACCTGTG-3'
Protein context (NP_003833.4, residues 57-77): TQQDLAPQQR[Ala67Val]APQQKRSSPS

ClinVar aggregate classification (germline): Benign (0 of 4 stars; one submission).

Conditions:
TNFRSF10B-related disorder. Also called: TNFRSF10B-related condition.

Allele frequency attached by ClinVar (database versions not stated): ESP Exome Variant Server 0.05228; gnomAD 0.06920; ExAC 0.09073; 1000 Genomes Project 30x 0.09619; 1000 Genomes Project 0.09984.
gnomAD v4.1: 122,207 of 1,613,848 alleles (7.6%); highest among the groups gnomAD compares: East Asian, 27%; 6,251 homozygotes.

Submission:

PreventionGenetics, part of Exact Sciences
Classification: Benign for TNFRSF10B-related condition. Last evaluated: 2019-10-21. Review status: no assertion criteria provided. Collection method: clinical testing. Allele origin: germline.
Comment: This variant is classified as benign based on ACMG/AMP sequence variant interpretation guidelines (Richards et al. 2015 PMID: 25741868, with internal and published modifications).